The following is an entry in ClinVar:

NM_014484.5(MOCS3):c.987A>C (p.Leu329=)

Gene: MOCS3 (molybdenum cofactor synthesis 3; plus strand). Cytogenetic location: 20q13.13.
Variant type: single nucleotide variant.
Coding change: c.987A>C on transcript NM_014484.5 (MANE Select); coding-DNA position 987, A replaced by C.
Protein change: p.Leu329=; no amino-acid change (leucine 329 retained).
Molecular consequence: synonymous variant.
Genome position (GRCh38, 1-based): chr20:50,959,829, A>C. VCF-style: chr20-50959829-A-C. GRCh37 (hg19) VCF-style: chr20-49576366-A-C.
Identifiers: ClinVar variation 2831772 (VCV002831772.3), dbSNP rs2515744776, ClinGen allele CA511023199.

ClinVar aggregate classification (germline): Uncertain significance (1 of 4 stars; one submission).

Submission:

Labcorp Genetics (formerly Invitae), Labcorp
Classification: Uncertain significance. Last evaluated: 2023-01-24. Review status: criteria provided, single submitter. Criteria: Invitae Variant Classification Sherloc (09022015). Collection method: clinical testing. Allele origin: germline.
Comment: This sequence change affects codon 329 of the MOCS3 mRNA. It is a 'silent' change, meaning that it does not change the encoded amino acid sequence of the MOCS3 protein. This variant is not present in population databases (gnomAD no frequency). This variant has not been reported in the literature in individuals affected with MOCS3-related conditions. In summary, the available evidence is currently insufficient to determine the role of this variant in disease. Therefore, it has been classified as a Variant of Uncertain Significance.